The following is an entry in ClinVar:

ClinVar aggregate classification (germline): Uncertain significance. Review status: criteria provided, multiple submitters, no conflicts (2 of 4 stars). 2 submissions from 2 submitters: Uncertain significance (2). Last evaluated 2025-12-24.

Conditions:
Cardiomyopathy (CMYO). Also called: Cardiomyopathies. Identifiers: Orphanet 167848, MedGen C0878544, MONDO:0004994, HP:0001638. Inheritance: Various modes of inheritance.
Arrhythmogenic right ventricular dysplasia 10. Also called: Arrhythmogenic right ventricular dysplasia/cardiomyopathy, type 10; Arrhythmogenic Right Ventricular Dysplasia/Cardiomyopathy10; ARRHYTHMOGENIC RIGHT VENTRICULAR DYSPLASIA, FAMILIAL, 10. Identifiers: MedGen C1857777, MONDO:0012434, OMIM 610193.

Submissions (2):

Labcorp Genetics (formerly Invitae), Labcorp
Classification: Uncertain significance for Arrhythmogenic right ventricular dysplasia 10. Last evaluated: 2025-12-24. Review status: criteria provided, single submitter. Criteria: Invitae Variant Classification Sherloc (09022015). Collection method: clinical testing. Allele origin: germline.
Comment: This sequence change replaces glutamine, which is neutral and polar, with glutamic acid, which is acidic and polar, at codon 461 of the DSG2 protein (p.Gln461Glu). This variant is not present in population databases (gnomAD no frequency). This variant has not been reported in the literature in individuals affected with DSG2-related conditions. ClinVar contains an entry for this variant (Variation ID: 2442951). Invitae Evidence Modeling of protein sequence and biophysical properties (such as structural, functional, and spatial information, amino acid conservation, physicochemical variation, residue mobility, and thermodynamic stability) indicates that this missense variant is not expected to disrupt DSG2 protein function with a negative predictive value of 95%. In summary, the available evidence is currently insufficient to determine the role of this variant in disease. Therefore, it has been classified as a Variant of Uncertain Significance.

CHEO Genetics Diagnostic Laboratory, Children's Hospital of Eastern Ontario
Classification: Uncertain significance for Cardiomyopathy. Last evaluated: 2021-06-09. Review status: criteria provided, single submitter. Criteria: ACMG Guidelines, 2015. Collection method: clinical testing. Allele origin: germline.

NM_001943.5(DSG2):c.1381C>G (p.Gln461Glu)

Gene: DSG2 (desmoglein 2; plus strand). Cytogenetic location: 18q12.1.
Variant type: single nucleotide variant.
Coding change: c.1381C>G on transcript NM_001943.5 (MANE Select); coding-DNA position 1381, C replaced by G.
Protein change: p.Gln461Glu; replaces glutamine 461 with glutamic acid.
Molecular consequence: missense variant.
Genome position (GRCh38, 1-based): chr18:31,535,370, C>G. VCF-style: chr18-31535370-C-G. GRCh37 (hg19) VCF-style: chr18-29115333-C-G.
Other names: short protein forms Q461E.
Identifiers: ClinVar variation 2442951 (VCV002442951.3), dbSNP rs1212557775, ClinGen allele CA402140439.